The following is an entry in ClinVar:

NM_001035.3(RYR2):c.3905A>G (p.Tyr1302Cys)

Genes: RYR2 (ryanodine receptor 2; plus strand), LOC126806067 (BRD4-independent group 4 enhancer GRCh37_chr1:237753258-237754457; plus strand). Cytogenetic location: 1q43.
Variant type: single nucleotide variant.
Coding change: c.3905A>G on transcript NM_001035.3 (MANE Select); coding-DNA position 3905, A replaced by G.
Protein change: p.Tyr1302Cys; replaces tyrosine 1302 with cysteine.
Molecular consequence: missense variant.
Genome position (GRCh38, 1-based): chr1:237,590,737, A>G. VCF-style: chr1-237590737-A-G. GRCh37 (hg19) VCF-style: chr1-237754037-A-G.
Other names: short protein forms Y1302C.
Identifiers: ClinVar variation 1331933 (VCV001331933.3), dbSNP rs2148437157, ClinGen allele CA345397331.
Genomic context (GRCh38, chr1:237,590,737, plus strand): 5'-GTTTAAAGGTCACTCAGAAGTCTTTTGGTTCTCAGAACAGCAACACTGATATCATGTTTT[A>G]TCGCCTGAGCATGCCGATCGAGTGCGCGGAGGTCTTCTCCAAGACGGTGGCTGGAGGGCT-3'
Protein context (NP_001026.2, residues 1292-1312): SQNSNTDIMF[Tyr1302Cys]RLSMPIECAE

ClinVar aggregate classification (germline): Uncertain significance (1 of 4 stars; one submission).

Conditions:
Cardiomyopathy (CMYO). Also called: Cardiomyopathies. Identifiers: Orphanet 167848, MedGen C0878544, MONDO:0004994, HP:0001638. Inheritance: Various modes of inheritance.

Submission:

Color Diagnostics, LLC DBA Color Health
Classification: Uncertain significance for Cardiomyopathy. Last evaluated: 2024-03-06. Review status: criteria provided, single submitter. Criteria: ACMG Guidelines, 2015. Collection method: clinical testing. Allele origin: germline.
Comment: This missense variant replaces tyrosine with cysteine at codon 1302 of the RYR2 protein. Computational prediction is inconclusive regarding the impact of this variant on protein structure and function (internally defined REVEL score threshold 0.5 < inconclusive < 0.7, PMID: 27666373). To our knowledge, functional studies have not been reported for this variant. This variant has not been reported in individuals affected with cardiovascular disorders in the literature. This variant has not been identified in the general population by the Genome Aggregation Database (gnomAD). The available evidence is insufficient to determine the role of this variant in disease conclusively. Therefore, this variant is classified as a Variant of Uncertain Significance.